The following is an entry in ClinVar:

ClinVar aggregate classification (germline): Uncertain significance (1 of 4 stars; one submission).

gnomAD v4.1: 7 of 1,613,602 alleles (0.00043%); highest among the groups gnomAD compares: Non-Finnish European, 0.00059%; no homozygotes.

Submission:

Labcorp Genetics (formerly Invitae), Labcorp
Classification: Uncertain significance. Last evaluated: 2024-07-23. Review status: criteria provided, single submitter. Criteria: Invitae Variant Classification Sherloc (09022015). Collection method: clinical testing. Allele origin: germline.
Comment: This sequence change affects codon 663 of the ENPP1 mRNA. It is a 'silent' change, meaning that it does not change the encoded amino acid sequence of the ENPP1 protein. This variant is not present in population databases (gnomAD no frequency). This variant has not been reported in the literature in individuals affected with ENPP1-related conditions. Algorithms developed to predict the effect of sequence changes on RNA splicing suggest that this variant may disrupt the consensus splice site. In summary, the available evidence is currently insufficient to determine the role of this variant in disease. Therefore, it has been classified as a Variant of Uncertain Significance.

NM_006208.3(ENPP1):c.1989A>G (p.Arg663=)

Gene: ENPP1 (ectonucleotide pyrophosphatase/phosphodiesterase 1; plus strand). Cytogenetic location: 6q23.2.
Variant type: single nucleotide variant.
Coding change: c.1989A>G on transcript NM_006208.3 (MANE Select); coding-DNA position 1989, A replaced by G.
Protein change: p.Arg663=; no amino-acid change (arginine 663 retained).
Molecular consequence: synonymous variant.
Genome position (GRCh38, 1-based): chr6:131,879,923, A>G. VCF-style: chr6-131879923-A-G. GRCh37 (hg19) VCF-style: chr6-132201063-A-G.
Identifiers: ClinVar variation 3694402 (VCV003694402.2).